The following is an entry in ClinVar:

NM_007294.4(BRCA1):c.4964C>A (p.Ser1655Tyr)

Gene: BRCA1 (BRCA1 DNA repair associated; minus strand). Cytogenetic location: 17q21.31.
Variant type: single nucleotide variant.
Coding change: c.4964C>A on transcript NM_007294.4 (MANE Select); coding-DNA position 4964, C replaced by A.
Protein change: p.Ser1655Tyr; replaces serine 1655 with tyrosine.
Molecular consequence: missense variant. On other transcripts: non-coding transcript variant (1).
Genome position (GRCh38, 1-based): chr17:43,070,950, G>T on the plus strand (C>A on the coding strand, the complement: BRCA1 is on the minus strand). VCF-style: chr17-43070950-G-T. GRCh37 (hg19) VCF-style: chr17-41222967-G-T.
Other names: c.1652C>A, p.Ser551Tyr (NM_001407979.1, NM_001407980.1, NM_001407981.1 and 13 more transcripts); c.1649C>A, p.Ser550Tyr (NM_001408399.1, NM_001408400.1, NM_001408401.1 and 8 more transcripts); c.1646C>A, p.Ser549Tyr (NM_001408406.1, NM_001408407.1, NM_001408408.1); c.1538C>A, p.Ser513Tyr (NM_001408420.1, NM_001408418.1, NM_001408419.1); c.1535C>A, p.Ser512Tyr (NM_001408421.1, NM_001408422.1, NM_001408423.1 and 1 more transcripts); c.1532C>A, p.Ser511Tyr (NM_001408425.1, NM_001408426.1, NM_001408427.1 and 4 more transcripts); c.1529C>A, p.Ser510Tyr (NM_001408439.1, NM_001408440.1, NM_001408441.1 and 10 more transcripts); c.1526C>A, p.Ser509Tyr (NM_001408445.1, NM_001408446.1, NM_001408447.1 and 2 more transcripts); and 70 more; short protein forms S1676Y, S1608Y, S1655Y, S551Y, S1486Y, S1526Y, S1566Y, S1583Y.
Identifiers: ClinVar variation 865735 (VCV000865735.3), dbSNP rs80357390, ClinGen allele CA10591596.

Conditions:
Breast-ovarian cancer, familial, susceptibility to, 1 (BROVCA1). Also called: BRCA1 Hereditary Breast and Ovarian Cancer; OVARIAN CANCER, SUSCEPTIBILITY TO. Identifiers: Orphanet 145, MedGen C2676676, MONDO:0011450, OMIM 604370. Disease mechanism: loss of function.

Submission:

Brotman Baty Institute, University of Washington
No classification provided (evidence only). Condition: Breast-ovarian cancer, familial 1. Review status: no classification provided. Collection method: in vitro. Allele origin: not applicable. Functional consequence: functionally_abnormal.
ClinVar note: "not provided" was previously submitted as the classification for the variant. However, the classification appeared to be based only on an observation of functional data so it was converted to no classification on 2025-07-30.